The following is an entry in ClinVar:

NC_000019.10:g.(?_852288)_(856184_?)del

Gene: ELANE (elastase, neutrophil expressed; plus strand). Cytogenetic location: 19p13.3.
Variant type: Deletion.
Identifiers: ClinVar variation 832041 (VCV000832041.3).

ClinVar aggregate classification (germline): Uncertain significance (1 of 4 stars; one submission).

Conditions:
Neutropenia, severe congenital, 1, autosomal dominant. Identifiers: MedGen C1859966, MONDO:0042490, OMIM 202700.
Cyclical neutropenia. Also called: Cyclic hematopoiesis; Cyclic Neutropenia. Identifiers: Orphanet 2686, MedGen C0221023, MONDO:0008090, OMIM 162800, HP:0040289. Disease mechanism: loss of function.

Submission:

Labcorp Genetics (formerly Invitae), Labcorp
Classification: Uncertain significance for Neutropenia, severe congenital 1, autosomal dominant; Cyclical neutropenia. Last evaluated: 2019-01-30. Review status: criteria provided, single submitter. Criteria: Invitae Variant Classification Sherloc (09022015). Collection method: clinical testing. Allele origin: germline.
Comment: A gross deletion of the genomic region encompassing the full coding sequence of the ELANE gene has been identified. The boundaries of this event are unknown as the deletion extends beyond the assayed region for this gene and therefore may encompass additional genes. This variant has not been reported in the literature in individuals with ELANE-related conditions. The current clinical and genetic evidence is not sufficient to establish whether loss-of-function variants in ELANE cause disease. In summary, the available evidence is currently insufficient to determine the role of this variant in disease. Therefore, it has been classified as a Variant of Uncertain Significance.